The following is an entry in ClinVar:

NR_002196.3(H19):n.1346G>A

Genes: MRPL23 (mitochondrial ribosomal protein L23; plus strand), H19 (H19 imprinted maternally expressed transcript; minus strand). Cytogenetic location: 11p15.5.
Variant type: single nucleotide variant.
Molecular consequence: non-coding transcript variant (on NR_002196.3). On other transcripts: intron variant (1).
Genome position: GRCh38 VCF-style: chr11-1996401-C-T. GRCh37 (hg19) VCF-style: chr11-2017631-C-T.
Other names: c.498-15140C>T (NM_001400176.1).
Identifiers: ClinVar variation 4998464 (VCV004998464.1).

ClinVar aggregate classification (germline): Uncertain significance (1 of 4 stars; one submission).

Conditions:
H19-related disorder. Also called: H19-related condition.

Submission:

PreventionGenetics, part of Exact Sciences
Classification: Uncertain significance for H19-related condition. Last evaluated: 2025-03-13. Review status: criteria provided, single submitter. Criteria: ACMG Guidelines, 2015. Collection method: clinical testing. Allele origin: germline.
Comment: The H19 n.1379G>A is a noncoding alteration. To our knowledge, this variant has not been reported in the literature or in a large population database (gnomAD), indicating this variant is rare. At this time, the clinical significance of this variant is uncertain due to the absence of conclusive functional and genetic evidence.